The following is an entry in ClinVar:

ClinVar aggregate classification (germline): Pathogenic (1 of 4 stars; one submission).

Conditions:
CACNA1A-related disorder. Also called: CACNA1A-related condition.

Submission:

GeneDx
Classification: Pathogenic. Last evaluated: 2019-02-26. Review status: criteria provided, single submitter. Criteria: GeneDx Variant Classification Process June 2021. Collection method: clinical testing. Allele origin: germline. Affected: yes.
Comment: Has not been previously published as pathogenic or benign to our knowledge; In-frame deletion of one amino acids in a non-repeat region; Not observed in large population cohorts (Lek et al., 2016); In silico analysis, which includes protein predictors and evolutionary conservation, supports a deleterious effect

NM_001127222.2(CACNA1A):c.1030ATC[2] (p.Ile346del)

Genes: CACNA1A (calcium voltage-gated channel subunit alpha1 A; minus strand), LOC126862866 (MED14-independent group 3 enhancer GRCh37_chr19:13445719-13446918; plus strand). Cytogenetic location: 19p13.13.
Variant type: Microsatellite.
Coding change: c.1030ATC[2] on transcript NM_001127222.2 (MANE Select); two copies in a row of the 3-base unit ATC starting at c.1030; the reference has three copies in a row; one copy, 3 bases deleted.
Protein change: p.Ile346del; deletes isoleucine 346.
Molecular consequence: inframe deletion.
Genome position (GRCh38, 1-based): chr19:13,335,850-13,335,852, GAT deleted on the plus strand (ATC on the coding strand, the reverse complement: CACNA1A is on the minus strand); deleting any 3 consecutive bases within chr19:13,335,850-13,335,860 gives the same sequence; the position shown is the placement nearest the transcript's 3' end. VCF-style (leftmost placement, unchanged base first): chr19-13335849-CGAT-C. GRCh37 (hg19) VCF-style: chr19-13446663-CGAT-C.
Other names: c.1030ATC[2], p.Ile346del (NM_000068.4, NM_001127221.2, NM_001174080.2 and 1 more transcripts); c.1036_1038delATC (NM_001127221.1); short protein forms I346del.
Identifiers: ClinVar variation 972987 (VCV000972987.5), dbSNP rs2058556589, ClinGen allele CA2323842740.